The following is an entry in ClinVar:

ClinVar aggregate classification (germline): Conflicting classifications of pathogenicity. Review status: criteria provided, conflicting classifications (1 of 4 stars). 4 submissions from 4 submitters: Uncertain significance (3); Likely benign (1). Last evaluated 2025-12-02.

Conditions:
Hereditary cancer-predisposing syndrome. Also called: Neoplastic Syndromes, Hereditary; Tumor predisposition; Hereditary neoplastic syndrome; Hereditary Cancer Syndrome. Identifiers: Orphanet 140162, MedGen C0027672, MeSH D009386, MONDO:0015356.
Hereditary diffuse gastric adenocarcinoma (HDGC). Also called: DIFFUSE GASTRIC AND LOBULAR BREAST CANCER SYNDROME. Identifiers: Orphanet 26106, MedGen C1708349, MONDO:0007648, OMIM 137215.

Submissions (4):

Dasa
Classification: Uncertain significance. Last evaluated: 2025-12-02. Review status: criteria provided, single submitter. Criteria: DASA Assertion Criteria. Collection method: clinical testing. Allele origin: germline.
Comment: NM_004360.5(CDH1):c.218C>A (p.Thr73Asn) is a missense variant that results in the substitution of threonine with asparagine. This variant is absent from population databases. The currently available literature and clinical evidence are not sufficient to establish a definitive association between this variant and the reported condition. Therefore, this variant is classified as a variant of uncertain significance.

Labcorp Genetics (formerly Invitae), Labcorp
Classification: Uncertain significance for Hereditary diffuse gastric adenocarcinoma. Last evaluated: 2025-06-02. Review status: criteria provided, single submitter. Criteria: Invitae Variant Classification Sherloc (09022015). Collection method: clinical testing. Allele origin: germline.
Comment: This sequence change replaces threonine, which is neutral and polar, with asparagine, which is neutral and polar, at codon 73 of the CDH1 protein (p.Thr73Asn). This variant is not present in population databases (gnomAD no frequency). This missense change has been observed in individual(s) with breast cancer (PMID: 35534704). ClinVar contains an entry for this variant (Variation ID: 479501). An algorithm developed to predict the effect of missense changes on protein structure and function (PolyPhen-2) suggests that this variant is likely to be disruptive. In summary, the available evidence is currently insufficient to determine the role of this variant in disease. Therefore, it has been classified as a Variant of Uncertain Significance.

Ambry Genetics
Classification: Likely benign for Hereditary cancer-predisposing syndrome. Last evaluated: 2024-08-05. Review status: criteria provided, single submitter. Criteria: Ambry Variant Classification Scheme 2023. Collection method: clinical testing. Allele origin: germline.

Quest Diagnostics Nichols Institute San Juan Capistrano
Classification: Uncertain significance. Last evaluated: 2020-12-24. Review status: criteria provided, single submitter. Criteria: Quest Diagnostics criteria. Collection method: clinical testing. Allele origin: unknown.

Literature cited by the submitters: PubMed 35534704 (cited by Labcorp Genetics (formerly Invitae), Labcorp).

NM_004360.5(CDH1):c.218C>A (p.Thr73Asn)

Gene: CDH1 (cadherin 1; plus strand). Cytogenetic location: 16q22.1.
Variant type: single nucleotide variant.
Coding change: c.218C>A on transcript NM_004360.5 (MANE Select); coding-DNA position 218, C replaced by A.
Protein change: p.Thr73Asn; replaces threonine 73 with asparagine.
Molecular consequence: missense variant. On other transcripts: 5 prime UTR variant (2).
Genome position (GRCh38, 1-based): chr16:68,801,724, C>A. VCF-style: chr16-68801724-C-A. GRCh37 (hg19) VCF-style: chr16-68835627-C-A.
Other names: c.218C>A, p.Thr73Asn (NM_001317184.2); c.-1398C>A (NM_001317185.2); c.-1602C>A (NM_001317186.2); c.218C>A (LRG_301t1); short protein forms T73N.
Identifiers: ClinVar variation 479501 (VCV000479501.19), dbSNP rs1555514410, ClinGen allele CA396457184.